The following is an entry in ClinVar:

NM_001367624.2(ZNF469):c.1877C>T (p.Pro626Leu)

Gene: ZNF469 (zinc finger protein 469; plus strand). Cytogenetic location: 16q24.2.
Variant type: single nucleotide variant.
Coding change: c.1877C>T on transcript NM_001367624.2 (MANE Select); coding-DNA position 1877, C replaced by T.
Protein change: p.Pro626Leu; replaces proline 626 with leucine.
Molecular consequence: missense variant.
Genome position (GRCh38, 1-based): chr16:88,429,347, C>T. VCF-style: chr16-88429347-C-T. GRCh37 (hg19) VCF-style: chr16-88495755-C-T.
Other names: NM_001127464.1:c.1877C>T; short protein forms P626L.
Identifiers: ClinVar variation 3987320 (VCV003987320.1).
Genomic context (GRCh38, chr16:88,429,347, plus strand): 5'-CTTCCCTGTCGCCGATGTCCAGCAGCCCAGCCAACCCCAGCTCAGAGGAAAGCCAGCTCC[C>T]CGGCCCCCTCGGGCCCTCGGCCTTCTTCCACCCACCCACTCACCCCCAGGAGACGGGCAG-3'
Protein context (NP_001354553.1, residues 616-636): ANPSSEESQL[Pro626Leu]GPLGPSAFFH

ClinVar aggregate classification (germline): Uncertain significance (1 of 4 stars; one submission).

Conditions:
Cardiovascular phenotype. Identifiers: MedGen CN230736.

gnomAD v4.1: 2 of 1,549,850 alleles (0.00013%); highest among the groups gnomAD compares: Middle Eastern, 0.017%; no homozygotes.

Submission:

Ambry Genetics
Classification: Uncertain significance for Cardiovascular phenotype. Last evaluated: 2025-04-07. Review status: criteria provided, single submitter. Criteria: Ambry Variant Classification Scheme 2023. Collection method: clinical testing. Allele origin: germline.
Comment: The p.P626L variant (also known as c.1877C>T), located in coding exon 1 of the ZNF469 gene, results from a C to T substitution at nucleotide position 1877. The proline at codon 626 is replaced by leucine, an amino acid with similar properties. This amino acid position is conserved. In addition, this alteration is predicted to be tolerated by in silico analysis. Based on the available evidence, the clinical significance of this variant remains unclear.